The following is an entry in ClinVar:

NM_001037.5(SCN1B):c.25G>A (p.Val9Ile)

Gene: SCN1B (sodium voltage-gated channel beta subunit 1; plus strand). Cytogenetic location: 19q13.11.
Variant type: single nucleotide variant.
Coding change: c.25G>A on transcript NM_001037.5 (MANE Select); coding-DNA position 25, G replaced by A.
Protein change: p.Val9Ile; replaces valine 9 with isoleucine.
Molecular consequence: missense variant.
Genome position (GRCh38, 1-based): chr19:35,030,845, G>A. VCF-style: chr19-35030845-G-A. GRCh37 (hg19) VCF-style: chr19-35521749-G-A.
Other names: c.25G>A, p.Val9Ile (NM_199037.5); short protein forms V9I.
Identifiers: ClinVar variation 3438191 (VCV003438191.1).

ClinVar aggregate classification (germline): Uncertain significance (1 of 4 stars; one submission).

Conditions:
Cardiovascular phenotype. Identifiers: MedGen CN230736.

Submission:

Ambry Genetics
Classification: Uncertain significance for Cardiovascular phenotype. Last evaluated: 2024-08-19. Review status: criteria provided, single submitter. Criteria: Ambry Variant Classification Scheme 2023. Collection method: clinical testing. Allele origin: germline.
Comment: The p.V9I variant (also known as c.25G>A), located in coding exon 1 of the SCN1B gene, results from a G to A substitution at nucleotide position 25. The valine at codon 9 is replaced by isoleucine, an amino acid with highly similar properties. This amino acid position is conserved. In addition, the in silico prediction for this alteration is inconclusive. Based on the available evidence, the clinical significance of this variant remains unclear.